The following is an entry in ClinVar:

ClinVar aggregate classification (germline): Uncertain significance (1 of 4 stars; one submission).

Submission:

Women's Health and Genetics/Laboratory Corporation of America, LabCorp
Classification: Uncertain significance. Last evaluated: 2023-10-30. Review status: criteria provided, single submitter. Criteria: LabCorp Variant Classification Summary - May 2015. Collection method: clinical testing. Allele origin: germline.
Comment: Variant summary: TUBGCP2 c.1626-2A>G is located in a canonical splice-site and is predicted to affect mRNA splicing resulting in a significantly altered protein due to either exon skipping, shortening, or inclusion of intronic material. Several computational tools predict a significant impact on normal splicing: Four predict the variant abolishes the canonical 3' splicing acceptor site. However, these predictions have yet to be confirmed by functional studies. The variant was absent in 246558 control chromosomes. The available data on variant occurrences in the general population are insufficient to allow any conclusion about variant significance. To our knowledge, no occurrence of c.1626-2A>G in individuals affected with Pachygyria, Microcephaly, Developmental Delay, And Dysmorphic Facies, With Or Without Seizures and no experimental evidence demonstrating its impact on protein function have been reported. Furthermore, we have not identified sufficient evidence to unequivocally establish loss of function as a mechanism of disease for this gene. No submitters have cited clinical-significance assessments for this variant to ClinVar after 2014. Based on the evidence outlined above, the variant was classified as uncertain significance.

NM_006659.4(TUBGCP2):c.1542-2A>G

Gene: TUBGCP2 (tubulin gamma complex component 2; minus strand). Cytogenetic location: 10q26.3.
Variant type: single nucleotide variant.
Coding change: c.1542-2A>G on transcript NM_006659.4 (MANE Select); the canonical splice acceptor site of the intron before coding-DNA position 1542, A replaced by G.
Molecular consequence: splice acceptor variant.
Genome position (GRCh38, 1-based): chr10:133,288,311, T>C on the plus strand (A>G on the coding strand, the complement: TUBGCP2 is on the minus strand). VCF-style: chr10-133288311-T-C. GRCh37 (hg19) VCF-style: chr10-135101815-T-C.
Other names: c.1152-2A>G (NM_001256618.2); c.1626-2A>G (NM_001256617.2).
Identifiers: ClinVar variation 2637548 (VCV002637548.1), dbSNP rs2493615607, ClinGen allele CA378820285.